The following is an entry in ClinVar:

ClinVar aggregate classification (germline): Uncertain significance (1 of 4 stars; one submission).

Submission:

Ambry Genetics
Classification: Uncertain significance. Last evaluated: 2026-08-31. Review status: criteria provided, single submitter. Criteria: Ambry Variant Classification Scheme 2023. Collection method: clinical testing. Allele origin: germline.
Comment: The p.Q1876H variant (also known as c.5628G>T), located in coding exon 22 of the WNK2 gene, results from a G to T substitution at nucleotide position 5628. The glutamine at codon 1876 is replaced by histidine, an amino acid with highly similar properties. This amino acid position is conserved. In addition, this alteration is predicted to be tolerated by in silico analysis. Based on the available evidence, the clinical significance of this variant remains unclear.

NM_006648.4(WNK2):c.5628G>T (p.Gln1876His)

Gene: WNK2 (WNK lysine deficient protein kinase 2; plus strand). Cytogenetic location: 9q22.31.
Variant type: single nucleotide variant.
Coding change: c.5628G>T on transcript NM_006648.4 (MANE Select); coding-DNA position 5628, G replaced by T.
Protein change: p.Gln1876His; replaces glutamine 1876 with histidine.
Molecular consequence: missense variant.
Genome position (GRCh38, 1-based): chr9:93,293,093, G>T. VCF-style: chr9-93293093-G-T. GRCh37 (hg19) VCF-style: chr9-96055375-G-T.
Other names: c.5739G>T, p.Gln1913His (NM_001282394.3); short protein forms Q1913H, Q1876H.
Identifiers: ClinVar variation 3982237 (VCV003982237.2).